The following is an entry in ClinVar:

ClinVar aggregate classification (germline): Uncertain significance (1 of 4 stars; one submission).

Submission:

Labcorp Genetics (formerly Invitae), Labcorp
Classification: Uncertain significance. Last evaluated: 2025-07-09. Review status: criteria provided, single submitter. Criteria: Invitae Variant Classification Sherloc (09022015). Collection method: clinical testing. Allele origin: germline.
Comment: This sequence change replaces cysteine, which is neutral and slightly polar, with serine, which is neutral and polar, at codon 251 of the C1S protein (p.Cys251Ser). This variant is not present in population databases (gnomAD no frequency). This variant has not been reported in the literature in individuals affected with C1S-related conditions. Invitae Evidence Modeling of protein sequence and biophysical properties (such as structural, functional, and spatial information, amino acid conservation, physicochemical variation, residue mobility, and thermodynamic stability) indicates that this missense variant is expected to disrupt C1S protein function with a positive predictive value of 80%. In summary, the available evidence is currently insufficient to determine the role of this variant in disease. Therefore, it has been classified as a Variant of Uncertain Significance.

NM_001734.5(C1S):c.751T>A (p.Cys251Ser)

Gene: C1S (complement C1s; plus strand). Cytogenetic location: 12p13.31.
Variant type: single nucleotide variant.
Coding change: c.751T>A on transcript NM_001734.5 (MANE Select); coding-DNA position 751, T replaced by A.
Protein change: p.Cys251Ser; replaces cysteine 251 with serine.
Molecular consequence: missense variant.
Genome position (GRCh38, 1-based): chr12:7,065,850, T>A. VCF-style: chr12-7065850-T-A. GRCh37 (hg19) VCF-style: chr12-7173154-T-A.
Other names: c.250T>A, p.Cys84Ser (NM_001346850.2); c.751T>A, p.Cys251Ser (NM_201442.4); short protein forms C251S, C84S.
Identifiers: ClinVar variation 4741651 (VCV004741651.1).